The following is an entry in ClinVar:

ClinVar aggregate classification (germline): Pathogenic. Review status: reviewed by expert panel (3 of 4 stars). 2 submissions from 2 submitters: Pathogenic (1). 1 of the submissions does not count toward it. Last evaluated 2016-09-08.

Conditions:
Hereditary breast ovarian cancer syndrome. Also called: Breast and ovarian cancer; Hereditary breast and ovarian cancer; Hereditary breast and ovarian cancer syndrome; Hereditary breast and/or ovarian cancer syndrome; BRCA1- and BRCA2-Associated Hereditary Breast and Ovarian Cancer; Hereditary breast and ovarian cancer syndrome (HBOC). Identifiers: Orphanet 145, MedGen C0677776, MeSH D061325, MONDO:0003582. Disease mechanism: loss of function.
Breast-ovarian cancer, familial, susceptibility to, 1 (BROVCA1). Also called: BRCA1 Hereditary Breast and Ovarian Cancer; OVARIAN CANCER, SUSCEPTIBILITY TO. Identifiers: Orphanet 145, MedGen C2676676, MONDO:0011450, OMIM 604370. Disease mechanism: loss of function.

Submissions (2):

Evidence-based Network for the Interpretation of Germline Mutant Alleles (ENIGMA)
Classification: Pathogenic for Breast-ovarian cancer, familial, susceptibility to, 1. Last evaluated: 2016-09-08. Review status: reviewed by expert panel. Criteria: ENIGMA BRCA1/2 Classification Criteria (2015). Collection method: curation. Allele origin: germline.
Comment: Variant allele predicted to encode a truncated non-functional protein.

Labcorp Genetics (formerly Invitae), Labcorp
Classification: Pathogenic for Hereditary breast ovarian cancer syndrome. Last evaluated: 2018-02-07. Review status: criteria provided, single submitter. Criteria: Invitae Variant Classification Sherloc (09022015). Collection method: clinical testing. Allele origin: germline. Not counted in ClinVar's aggregate classification.
Comment: This variant is not present in population databases (ExAC no frequency). For these reasons, this variant has been classified as Pathogenic. Loss-of-function variants in BRCA1 are known to be pathogenic (PMID: 20104584). This variant has been reported in individuals in the Leiden Open-source Variation Database (PMID: 21520333). ClinVar contains an entry for this variant (Variation ID: 219511). This sequence change creates a premature translational stop signal (p.Phe1571Leufs*3) in the BRCA1 gene. It is expected to result in an absent or disrupted protein product.

Literature cited by the submitters: PubMed 20104584 (cited by Labcorp Genetics (formerly Invitae), Labcorp); PubMed 21520333 (cited by Labcorp Genetics (formerly Invitae), Labcorp).

NM_007294.4(BRCA1):c.4709dup (p.Phe1571fs)

Gene: BRCA1 (BRCA1 DNA repair associated; minus strand). Cytogenetic location: 17q21.31.
Variant type: Duplication.
Coding change: c.4709dup on transcript NM_007294.4 (MANE Select); coding-DNA position 4709, one base duplicated (T; older notation c.4709dupT).
Protein change: p.Phe1571fs; shifts the reading frame from phenylalanine 1571.
Molecular consequence: frameshift variant. On other transcripts: non-coding transcript variant (1).
Genome position (GRCh38, 1-based): chr17:43,071,205, A duplicated on the plus strand (T on the coding strand, the reverse complement: BRCA1 is on the minus strand). VCF-style (leftmost placement, unchanged base first): chr17-43071204-G-GA. GRCh37 (hg19) VCF-style: chr17-41223221-G-GA.
Other names: c.4709dupT (NM_007294.3); c.4496dup, p.Phe1500Leufs (NM_001407571.1, NM_001407894.1, NM_001407895.1 and 12 more transcripts); c.4775dup, p.Phe1593Leufs (NM_001407581.1, NM_001407582.1); c.4772dup, p.Phe1592Leufs (NM_001407583.1, NM_001407585.1, NM_001407587.1); c.4769dup, p.Phe1591Leufs (NM_001407590.1, NM_001407591.1); c.4709dup, p.Phe1571Leufs (NM_001407593.1, NM_001407594.1, NM_001407596.1 and 8 more transcripts); c.4706dup, p.Phe1570Leufs (NM_001407610.1, NM_001407611.1, NM_001407612.1 and 17 more transcripts); c.4703dup, p.Phe1569Leufs (NM_001407627.1, NM_001407628.1, NM_001407629.1 and 14 more transcripts); and 74 more; short protein forms F1571fs, F1592fs, F1524fs, F467fs.
Identifiers: ClinVar variation 219511 (VCV000219511.11), dbSNP rs864622132, ClinGen allele CA348034.